The following is an entry in ClinVar:

ClinVar aggregate classification (germline): Uncertain significance. Review status: criteria provided, multiple submitters, no conflicts (2 of 4 stars). 9 submissions from 9 submitters: Uncertain significance (8). 1 of the submissions does not count toward it. Last evaluated 2025-10-14.

Conditions:
Familial cancer of breast. Also called: BREAST CANCER, FAMILIAL; Hereditary breast cancer; hereditary breast carcinoma. Identifiers: Orphanet 227535, MedGen C0346153, MONDO:0016419, OMIM 114480. Disease mechanism: loss of function.
Hereditary cancer-predisposing syndrome. Also called: Hereditary Cancer Syndrome; Neoplastic Syndromes, Hereditary; Tumor predisposition; Hereditary neoplastic syndrome. Identifiers: Orphanet 140162, MedGen C0027672, MeSH D009386, MONDO:0015356.
Ataxia-telangiectasia syndrome (AT). Also called: Ataxia-telangiectasia, complementation group D; AT, COMPLEMENTATION GROUP C; ATAXIA-TELANGIECTASIA, COMPLEMENTATION GROUP A; ATAXIA-TELANGIECTASIA, FRESNO VARIANT; Ataxia-telangiectasia; LOUIS-BAR SYNDROME. Identifiers: Orphanet 100, MedGen C0004135, MONDO:0008840, OMIM 208900.

Allele frequency attached by ClinVar (database versions not stated): gnomAD 0.00001; TOPMed 0.00001.
gnomAD v4.1: 2 of 1,613,878 alleles (0.00012%); highest among the groups gnomAD compares: Non-Finnish European, 0.00017%; no homozygotes.

Submissions (9):

Ambry Genetics
Classification: Uncertain significance for Hereditary cancer-predisposing syndrome. Last evaluated: 2025-10-14. Review status: criteria provided, single submitter. Criteria: Ambry Variant Classification Scheme 2023. Collection method: clinical testing. Allele origin: germline.
Comment: The p.Q1627L variant (also known as c.4880A>T), located in coding exon 31 of the ATM gene, results from an A to T substitution at nucleotide position 4880. The glutamine at codon 1627 is replaced by leucine, an amino acid with dissimilar properties. This amino acid position is highly conserved in available vertebrate species. In addition, the in silico prediction for this alteration is inconclusive. Since supporting evidence is limited at this time, the clinical significance of this alteration remains unclear.

Labcorp Genetics (formerly Invitae), Labcorp
Classification: Uncertain significance for Ataxia-telangiectasia syndrome. Last evaluated: 2025-08-27. Review status: criteria provided, single submitter. Criteria: Invitae Variant Classification Sherloc (09022015). Collection method: clinical testing. Allele origin: germline.
Comment: This sequence change replaces glutamine, which is neutral and polar, with leucine, which is neutral and non-polar, at codon 1627 of the ATM protein (p.Gln1627Leu). This variant is not present in population databases (gnomAD no frequency). This variant has not been reported in the literature in individuals affected with ATM-related conditions. ClinVar contains an entry for this variant (Variation ID: 187603). Invitae Evidence Modeling of protein sequence and biophysical properties (such as structural, functional, and spatial information, amino acid conservation, physicochemical variation, residue mobility, and thermodynamic stability) has been performed for this missense variant. However, the output from this modeling did not meet the statistical confidence thresholds required to predict the impact of this variant on ATM protein function. In summary, the available evidence is currently insufficient to determine the role of this variant in disease. Therefore, it has been classified as a Variant of Uncertain Significance.

ARUP Laboratories, Molecular Genetics and Genomics, ARUP Laboratories
Classification: Uncertain significance. Last evaluated: 2025-02-06. Review status: criteria provided, single submitter. Criteria: ARUP Molecular Germline Variant Investigation Process 2024. Collection method: clinical testing. Allele origin: germline.
Comment: The ATM c.4880A>T; p.Gln1627Leu variant (rs786203857), to our knowledge, is not reported in the medical literature but is reported in ClinVar (Variation ID: 187603). This variant is also absent from the Genome Aggregation Database (v2.1.1), indicating it is not a common polymorphism. Computational analyses are uncertain whether this variant is neutral or deleterious (REVEL: 0.575). Due to limited information, the clinical significance of this variant is uncertain at this time.

Color Diagnostics, LLC DBA Color Health
Classification: Uncertain significance for Hereditary cancer-predisposing syndrome. Last evaluated: 2024-09-04. Review status: criteria provided, single submitter. Criteria: ACMG Guidelines, 2015. Collection method: clinical testing. Allele origin: germline.
Comment: This missense variant replaces glutamine with leucine at codon 1627 of the ATM protein. Computational prediction is inconclusive regarding the impact of this variant on protein structure and function. To our knowledge, functional studies have not been reported for this variant. This variant has not been reported in individuals affected with hereditary cancer in the literature. This variant has not been identified in the general population by the Genome Aggregation Database (gnomAD). The available evidence is insufficient to determine the role of this variant in disease conclusively. Therefore, this variant is classified as a Variant of Uncertain Significance.

Baylor Genetics
Classification: Uncertain significance for Familial cancer of breast. Last evaluated: 2024-03-22. Review status: criteria provided, single submitter. Criteria: ACMG Guidelines, 2015. Collection method: clinical testing. Allele origin: unknown.

GeneDx
Classification: Uncertain significance. Last evaluated: 2023-09-06. Review status: criteria provided, single submitter. Criteria: GeneDx Variant Classification Process June 2021. Collection method: clinical testing. Allele origin: germline. Affected: yes.
Comment: Not observed at significant frequency in large population cohorts (gnomAD); In silico analysis supports that this missense variant has a deleterious effect on protein structure/function; Has not been previously published as pathogenic or benign to our knowledge

Genetic Services Laboratory, University of Chicago
Classification: Uncertain significance. Last evaluated: 2021-11-21. Review status: criteria provided, single submitter. Criteria: ACMG Guidelines, 2015. Collection method: clinical testing. Allele origin: germline. Affected: no.
Comment: DNA sequence analysis of the ATM gene demonstrated a sequence change, c.4880A>T, in exon 32 that results in an amino acid change, p.Gln1627Leu. This sequence change does not appear to have been previously described in individuals with ATM-related disorders and has also not been described in the population databases such as ExAC and gnomAD (dbSNP rs786203857). The p.Gln1627Leu change affects a highly conserved amino acid residue located in a domain of the ATM protein that is known to be functional. The p.Gln1627Leu substitution appears to be deleterious using several in-silico pathogenicity prediction tools (SIFT, PolyPhen2, Align GVGD, REVEL). Due to insufficient evidence and the lack of functional studies, the clinical significance of the p.Gln1627Leu change remains unknown at this time.

Women's Health and Genetics/Laboratory Corporation of America, LabCorp
Classification: Uncertain significance. Last evaluated: 2018-01-02. Review status: criteria provided, single submitter. Criteria: LabCorp Variant Classification Summary - May 2015. Collection method: clinical testing. Allele origin: germline.
Comment: Variant summary: The ATM c.4880A>T (p.Gln1627Leu) variant involves the alteration of a conserved nucleotide and is predicted to be damaging by 4/4 in silico tools (SNPsandGO not captured due to low reliability index). This variant is absent in 246170 control chromosomes (gnomAD). One clinical diagnostic laboratory has classified this variant as uncertain significance. The variant of interest has not, to our knowledge, been reported in affected individuals via publications, nor has it been evaluated for functional impact by in vivo/vitro studies. Because of the absence of clinical information and the lack of functional studies, the variant is classified as a variant of uncertain significance (VUS) until additional information becomes available.

Natera, Inc.
Classification: Uncertain significance for Ataxia-telangiectasia. Last evaluated: 2021-07-08. Review status: no assertion criteria provided. Collection method: clinical testing. Allele origin: germline. Not counted in ClinVar's aggregate classification.

NM_000051.4(ATM):c.4880A>T (p.Gln1627Leu)

Gene: ATM (ATM serine/threonine kinase; plus strand). Cytogenetic location: 11q22.3.
Variant type: single nucleotide variant.
Coding change: c.4880A>T on transcript NM_000051.4 (MANE Select); coding-DNA position 4880, A replaced by T.
Protein change: p.Gln1627Leu; replaces glutamine 1627 with leucine.
Molecular consequence: missense variant.
Genome position (GRCh38, 1-based): chr11:108,295,030, A>T. VCF-style: chr11-108295030-A-T. GRCh37 (hg19) VCF-style: chr11-108165757-A-T.
Other names: c.4880A>T, p.Gln1627Leu (NM_001351834.2); short protein forms Q1627L.
Identifiers: ClinVar variation 187603 (VCV000187603.35), dbSNP rs786203857, ClinGen allele CA198062.
Genomic context (GRCh38, chr11:108,295,030, plus strand): 5'-CATTGACAAGACTTGAAGGACTAAAGGATCTTCGAAGACAACTGGAACTACATAAAGATC[A>T]GATGGTGGACATTATGAGAGCTTCTCAGGGTGCTAATTTTAAATGACATGGGCTATTTCT-3'
Protein context (NP_000042.3, residues 1617-1637): LRRQLELHKD[Gln1627Leu]MVDIMRASQD